The following is an entry in ClinVar:

NM_004928.3(CFAP410):c.112G>C (p.Glu38Gln)

Gene: CFAP410 (cilia and flagella associated protein 410; minus strand). Cytogenetic location: 21q22.3.
Variant type: single nucleotide variant.
Coding change: c.112G>C on transcript NM_004928.3 (MANE Select); coding-DNA position 112, G replaced by C.
Protein change: p.Glu38Gln; replaces glutamic acid 38 with glutamine.
Molecular consequence: missense variant. On other transcripts: 5 prime UTR variant (1).
Genome position (GRCh38, 1-based): chr21:44,335,789, C>G on the plus strand (G>C on the coding strand, the complement: CFAP410 is on the minus strand). VCF-style: chr21-44335789-C-G. GRCh37 (hg19) VCF-style: chr21-45755672-C-G.
Other names: c.112G>C, p.Glu38Gln (NM_001271440.2, NM_001271441.2); c.-3G>C (NM_001271442.1); short protein forms E38Q.
Identifiers: ClinVar variation 837261 (VCV000837261.9), dbSNP rs756184388, ClinGen allele CA10053836.

ClinVar aggregate classification (germline): Uncertain significance. Review status: criteria provided, multiple submitters, no conflicts (2 of 4 stars). 2 submissions from 2 submitters: Uncertain significance (2). Last evaluated 2025-10-22.

Allele frequency attached by ClinVar (database versions not stated): gnomAD exomes 0.00002; TOPMed 0.00002; gnomAD 0.00003 and 0.00004; ExAC 0.00005.
gnomAD v4.1: 76 of 1,592,726 alleles (0.0048%); highest among the groups gnomAD compares: Middle Eastern, 0.016%; no homozygotes.

Submissions (2):

Labcorp Genetics (formerly Invitae), Labcorp
Classification: Uncertain significance. Last evaluated: 2025-10-22. Review status: criteria provided, single submitter. Criteria: Invitae Variant Classification Sherloc (09022015). Collection method: clinical testing. Allele origin: germline.
Comment: This sequence change replaces glutamic acid, which is acidic and polar, with glutamine, which is neutral and polar, at codon 38 of the CFAP410 protein (p.Glu38Gln). This variant is present in population databases (rs756184388, gnomAD 0.009%). This variant has not been reported in the literature in individuals affected with CFAP410-related conditions. ClinVar contains an entry for this variant (Variation ID: 837261). Invitae Evidence Modeling of protein sequence and biophysical properties (such as structural, functional, and spatial information, amino acid conservation, physicochemical variation, residue mobility, and thermodynamic stability) indicates that this missense variant is not expected to disrupt CFAP410 protein function with a negative predictive value of 80%. In summary, the available evidence is currently insufficient to determine the role of this variant in disease. Therefore, it has been classified as a Variant of Uncertain Significance.

Blueprint Genetics
Classification: Uncertain significance. Last evaluated: 2023-11-24. Review status: criteria provided, single submitter. Criteria: ACMG Guidelines, 2015. Collection method: clinical testing. Allele origin: germline.